The following is an entry in ClinVar:

ClinVar aggregate classification (germline): Uncertain significance. Review status: criteria provided, multiple submitters, no conflicts (2 of 4 stars). 2 submissions from 2 submitters: Uncertain significance (2). Last evaluated 2022-08-09.

Conditions:
Bethlem myopathy 1A. Also called: Bethlem myopathy 1; MYOPATHY, BENIGN CONGENITAL, WITH CONTRACTURES; Bethlem Muscular Dystrophy. Identifiers: Orphanet 610, MedGen CN029274, MONDO:0024530, OMIM 158810.

Submissions (2):

Labcorp Genetics (formerly Invitae), Labcorp
Classification: Uncertain significance for Bethlem myopathy 1A. Last evaluated: 2022-08-09. Review status: criteria provided, single submitter. Criteria: Invitae Variant Classification Sherloc (09022015). Collection method: clinical testing. Allele origin: germline.
Comment: In summary, the available evidence is currently insufficient to determine the role of this variant in disease. Therefore, it has been classified as a Variant of Uncertain Significance. Advanced modeling of protein sequence and biophysical properties (such as structural, functional, and spatial information, amino acid conservation, physicochemical variation, residue mobility, and thermodynamic stability) performed at Invitae indicates that this missense variant is not expected to disrupt COL6A3 protein function. ClinVar contains an entry for this variant (Variation ID: 281935). This variant has not been reported in the literature in individuals affected with COL6A3-related conditions. This variant is not present in population databases (gnomAD no frequency). This sequence change replaces valine, which is neutral and non-polar, with leucine, which is neutral and non-polar, at codon 1596 of the COL6A3 protein (p.Val1596Leu).

Eurofins Ntd Llc (ga)
Classification: Uncertain significance. Last evaluated: 2015-08-05. Review status: criteria provided, single submitter. Criteria: EGL Classification Definitions 2015. Collection method: clinical testing. Allele origin: germline. Observed: 1 variant allele, 1 heterozygote.

NM_004369.4(COL6A3):c.4786G>T (p.Val1596Leu)

Gene: COL6A3 (collagen type VI alpha 3 chain; minus strand). Cytogenetic location: 2q37.3.
Variant type: single nucleotide variant.
Coding change: c.4786G>T on transcript NM_004369.4 (MANE Select); coding-DNA position 4786, G replaced by T.
Protein change: p.Val1596Leu; replaces valine 1596 with leucine.
Molecular consequence: missense variant.
Genome position (GRCh38, 1-based): chr2:237,368,677, C>A on the plus strand (G>T on the coding strand, the complement: COL6A3 is on the minus strand). VCF-style: chr2-237368677-C-A. GRCh37 (hg19) VCF-style: chr2-238277320-C-A.
Other names: c.2965G>T, p.Val989Leu (NM_057166.5); c.4168G>T, p.Val1390Leu (NM_057167.4); short protein forms V1596L, V989L, V1390L.
Identifiers: ClinVar variation 281935 (VCV000281935.9), dbSNP rs886042267, ClinGen allele CA10604011.